The following is an entry in ClinVar:

ClinVar aggregate classification (germline): Uncertain significance (1 of 4 stars; one submission).

Conditions:
Neuroblastoma, susceptibility to, 3. Also called: ALK-Related Neuroblastic Tumor Susceptibility. Identifiers: Orphanet 635, MedGen C2751681, MONDO:0013083, OMIM 613014.

Allele frequency attached by ClinVar (database versions not stated): TOPMed below 0.00001.
gnomAD v4.1: 1 of 1,614,028 alleles (0.000062%); highest among the groups gnomAD compares: Non-Finnish European, 0.000085%; no homozygotes.

Submission:

Labcorp Genetics (formerly Invitae), Labcorp
Classification: Uncertain significance for Neuroblastoma, susceptibility to, 3. Last evaluated: 2021-02-01. Review status: criteria provided, single submitter. Criteria: Invitae Variant Classification Sherloc (09022015). Collection method: clinical testing. Allele origin: germline.
Comment: This variant is not present in population databases (ExAC no frequency). This sequence change replaces glutamine with histidine at codon 300 of the ALK protein (p.Gln300His). The glutamine residue is weakly conserved and there is a small physicochemical difference between glutamine and histidine. In summary, the available evidence is currently insufficient to determine the role of this variant in disease. Therefore, it has been classified as a Variant of Uncertain Significance. Algorithms developed to predict the effect of missense changes on protein structure and function are either unavailable or do not agree on the potential impact of this missense change (SIFT: "Deleterious"; PolyPhen-2: "Possibly Damaging"; Align-GVGD: "Class C0"). This variant has not been reported in the literature in individuals with ALK-related conditions.

NM_004304.5(ALK):c.900G>T (p.Gln300His)

Gene: ALK (ALK receptor tyrosine kinase; minus strand). Cytogenetic location: 2p23.2.
Variant type: single nucleotide variant.
Coding change: c.900G>T on transcript NM_004304.5 (MANE Select); coding-DNA position 900, G replaced by T.
Protein change: p.Gln300His; replaces glutamine 300 with histidine.
Molecular consequence: missense variant.
Genome position (GRCh38, 1-based): chr2:29,694,902, C>A on the plus strand (G>T on the coding strand, the complement: ALK is on the minus strand). VCF-style: chr2-29694902-C-A. GRCh37 (hg19) VCF-style: chr2-29917768-C-A.
Other names: short protein forms Q300H.
Identifiers: ClinVar variation 1428091 (VCV001428091.8), dbSNP rs1233069820, ClinGen allele CA346586910.